The following is an entry in ClinVar:

ClinVar aggregate classification (germline): Likely benign. Review status: criteria provided, multiple submitters, no conflicts (2 of 4 stars). 2 submissions from 2 submitters: Likely benign (2). Last evaluated 2025-10-15.

Conditions:
CACNB2-related disorder. Also called: CACNB2-related condition.
Cardiovascular phenotype. Identifiers: MedGen CN230736.

Submissions (2):

PreventionGenetics, part of Exact Sciences
Classification: Likely benign for CACNB2-related condition. Last evaluated: 2025-10-15. Review status: criteria provided, single submitter. Criteria: ACMG Guidelines, 2015. Collection method: clinical testing. Allele origin: germline.
Comment: This variant is classified as likely benign based on ACMG/AMP sequence variant interpretation guidelines (Richards et al. 2015 PMID: 25741868, with internal and published modifications).

Ambry Genetics
Classification: Likely benign for Cardiovascular phenotype. Last evaluated: 2025-09-07. Review status: criteria provided, single submitter. Criteria: Ambry Variant Classification Scheme 2023. Collection method: clinical testing. Allele origin: germline.

NM_201596.3(CACNB2):c.687T>C (p.Ala229=)

Gene: CACNB2 (calcium voltage-gated channel auxiliary subunit beta 2; plus strand). Cytogenetic location: 10p12.31.
Variant type: single nucleotide variant.
Coding change: c.687T>C on transcript NM_201596.3 (MANE Select); coding-DNA position 687, T replaced by C.
Protein change: p.Ala229=; no amino-acid change (alanine 229 retained).
Molecular consequence: synonymous variant. On other transcripts: intron variant (6).
Genome position (GRCh38, 1-based): chr10:18,514,252, T>C. VCF-style: chr10-18514252-T-C. GRCh37 (hg19) VCF-style: chr10-18803181-T-C.
Other names: c.506-259T>C (NM_001330060.2); c.527-259T>C (NM_001410882.1); c.522T>C, p.Ala174= (NM_000724.4); c.543T>C, p.Ala181= (NM_201570.3); c.603T>C, p.Ala201= (NM_201571.4); c.525T>C, p.Ala175= (NM_201590.3); c.587-259T>C (NM_001167945.2); c.587-728T>C (NM_201572.4); and 2 more.
Identifiers: ClinVar variation 4218004 (VCV004218004.2).